The following is an entry in ClinVar:

NM_006009.4(TUBA1A):c.1248T>C (p.Gly416=)

Gene: TUBA1A (tubulin alpha 1a; minus strand). Cytogenetic location: 12q13.12.
Variant type: single nucleotide variant.
Coding change: c.1248T>C on transcript NM_006009.4 (MANE Select); coding-DNA position 1248, T replaced by C.
Protein change: p.Gly416=; no amino-acid change (glycine 416 retained).
Molecular consequence: synonymous variant.
Genome position (GRCh38, 1-based): chr12:49,185,118, A>G on the plus strand (T>C on the coding strand, the complement: TUBA1A is on the minus strand). VCF-style: chr12-49185118-A-G. GRCh37 (hg19) VCF-style: chr12-49578901-A-G.
Other names: c.1248T>C, p.Gly416= (NM_001270399.2); c.1143T>C, p.Gly381= (NM_001270400.2).
Identifiers: ClinVar variation 212489 (VCV000212489.31), dbSNP rs3206694, ClinGen allele CA205452.
Genomic context (GRCh38, chr12:49,185,118, plus strand): 5'-ACCAACCTCCTCATAATCCTTCTCAAGGGCAGCCATGTCCTCACGGGCCTCTGAAAACTC[A>G]CCTTCCTCCATCCCCTCCCCAACGTACCAGTGAACAAAGGCACGTTTGGCATACATCAGG-3'
Protein context (NP_006000.2, residues 406-426): HWYVGEGMEE[Gly416=]EFSEAREDMA

ClinVar aggregate classification (germline): Conflicting classifications of pathogenicity. Review status: criteria provided, conflicting classifications (1 of 4 stars). 4 submissions from 4 submitters: Uncertain significance (1); Likely benign (2). 1 of the submissions does not count toward it. Last evaluated 2024-07-04.

Conditions:
TUBA1A-related disorder. Also called: TUBA1A-related condition.

Allele frequency attached by ClinVar (database versions not stated): gnomAD exomes 0.00002 and 0.00003; ExAC 0.00003; gnomAD 0.00003 and 0.00004; TOPMed 0.00003.
gnomAD v4.1: 33 of 1,613,818 alleles (0.002%); highest among the groups gnomAD compares: Middle Eastern, 0.016%; no homozygotes.

Submissions (4):

Blueprint Genetics
Classification: Likely benign. Last evaluated: 2024-07-04. Review status: criteria provided, single submitter. Criteria: ACMG Guidelines, 2015. Collection method: clinical testing. Allele origin: germline.

CeGaT Center for Human Genetics Tuebingen
Classification: Likely benign. Last evaluated: 2023-10-01. Review status: criteria provided, single submitter. Criteria: CeGaT Center For Human Genetics Tuebingen Variant Classification Criteria Version 2. Collection method: clinical testing. Allele origin: germline. Affected: yes. Observed: 1 variant allele.
Comment: TUBA1A: BP4, BP7

Genetic Services Laboratory, University of Chicago
Classification: Uncertain significance. Last evaluated: 2015-07-07. Review status: criteria provided, single submitter. Criteria: ACMG Guidelines, 2015. Collection method: clinical testing. Allele origin: germline.

PreventionGenetics, part of Exact Sciences
Classification: Likely benign for TUBA1A-related condition. Last evaluated: 2024-05-10. Review status: no assertion criteria provided. Collection method: clinical testing. Allele origin: germline. Not counted in ClinVar's aggregate classification.
Comment: This variant is classified as likely benign based on ACMG/AMP sequence variant interpretation guidelines (Richards et al. 2015 PMID: 25741868, with internal and published modifications).